The following is an entry in ClinVar:

ClinVar aggregate classification (germline): Conflicting classifications of pathogenicity. Review status: criteria provided, conflicting classifications (1 of 4 stars). 6 submissions from 6 submitters: Uncertain significance (2); Benign (2). 2 of the submissions do not count toward it. Last evaluated 2026-01-31.

Conditions:
Propionic acidemia (PROP). Also called: GLYCINEMIA, KETOTIC; HYPERGLYCINEMIA WITH KETOACIDOSIS AND LEUKOPENIA; KETOTIC HYPERGLYCINEMIA. Identifiers: Orphanet 35, MedGen C0268579, MONDO:0011628, OMIM 606054, HP:0003571.
PCCA-related disorder. Also called: PCCA-related condition.

Allele frequency attached by ClinVar (database versions not stated): gnomAD exomes 0.00024 and 0.00113; gnomAD 0.00028 and 0.00040; ExAC 0.00029; TOPMed 0.00047; 1000 Genomes Project 30x 0.00281; 1000 Genomes Project 0.00300.
gnomAD v4.1: 399 of 1,538,148 alleles (0.026%); highest among the groups gnomAD compares: East Asian, 0.91%; 3 homozygotes.

Submissions (6):

Labcorp Genetics (formerly Invitae), Labcorp
Classification: Benign for Propionic acidemia. Last evaluated: 2026-01-31. Review status: criteria provided, single submitter. Criteria: Invitae Variant Classification Sherloc (09022015). Collection method: clinical testing. Allele origin: germline.

Blueprint Genetics
Classification: Uncertain significance. Last evaluated: 2024-06-28. Review status: criteria provided, single submitter. Criteria: ACMG Guidelines, 2015. Collection method: clinical testing. Allele origin: germline.

CeGaT Center for Human Genetics Tuebingen
Classification: Benign. Last evaluated: 2023-01-01. Review status: criteria provided, single submitter. Criteria: CeGaT Center For Human Genetics Tuebingen Variant Classification Criteria Version 2. Collection method: clinical testing. Allele origin: germline. Affected: yes. Observed: 1 variant allele.
Comment: PCCA: BS1, BS2

Illumina Laboratory Services, Illumina
Classification: Uncertain significance for Propionic acidemia. Last evaluated: 2017-04-27. Review status: criteria provided, single submitter. Criteria: ICSL Variant Classification Criteria 13 December 2019. Collection method: clinical testing. Allele origin: germline.

PreventionGenetics, part of Exact Sciences
Classification: Likely benign for PCCA-related condition. Last evaluated: 2024-02-09. Review status: no assertion criteria provided. Collection method: clinical testing. Allele origin: germline. Not counted in ClinVar's aggregate classification.
Comment: This variant is classified as likely benign based on ACMG/AMP sequence variant interpretation guidelines (Richards et al. 2015 PMID: 25741868, with internal and published modifications).

Natera, Inc.
Classification: Benign for Propionic acidemia. Last evaluated: 2020-04-17. Review status: no assertion criteria provided. Collection method: clinical testing. Allele origin: germline. Not counted in ClinVar's aggregate classification.

NM_000282.4(PCCA):c.1850T>C (p.Leu617Pro)

Gene: PCCA (propionyl-CoA carboxylase subunit alpha; plus strand). Cytogenetic location: 13q32.3.
Variant type: single nucleotide variant.
Coding change: c.1850T>C on transcript NM_000282.4 (MANE Select); coding-DNA position 1850, T replaced by C.
Protein change: p.Leu617Pro; replaces leucine 617 with proline.
Molecular consequence: missense variant. On other transcripts: non-coding transcript variant (5), intron variant (2).
Genome position (GRCh38, 1-based): chr13:100,449,256, T>C. VCF-style: chr13-100449256-T-C. GRCh37 (hg19) VCF-style: chr13-101101510-T-C.
Other names: c.1772T>C, p.Leu591Pro (NM_001127692.3, NM_001352607.2); c.1850T>C, p.Leu617Pro (NM_001178004.2, NM_001352609.2); c.1706T>C, p.Leu569Pro (NM_001352606.2); c.1628T>C, p.Leu543Pro (NM_001352608.2); c.905T>C, p.Leu302Pro (NM_001352610.2); c.761T>C, p.Leu254Pro (NM_001352612.2); c.1845+23525T>C (NM_001352605.2); c.900+23525T>C (NM_001352611.2); short protein forms L543P, L617P, L254P, L591P, L302P, L569P.
Identifiers: ClinVar variation 706830 (VCV000706830.42), dbSNP rs563417983, ClinGen allele CA7033815.